The following is an entry in ClinVar:

ClinVar aggregate classification (germline): Uncertain significance (1 of 4 stars; one submission).

Conditions:
Immunodeficiency 35 (IMD35). Also called: TYK2 DEFICIENCY; HIES WITH ATYPICAL MYCOBACTERIOSIS, AUTOSOMAL RECESSIVE; HYPER-IgE SYNDROME WITH ATYPICAL MYCOBACTERIOSIS, AUTOSOMAL RECESSIVE; Susceptibility to infection due to TYK2 deficiency. Identifiers: Orphanet 331226, MedGen C1969086, MONDO:0012682, OMIM 611521.

Allele frequency attached by ClinVar (database versions not stated): TOPMed 0.00001; gnomAD 0.00002; ExAC 0.00004; 1000 Genomes Project 0.00020; 1000 Genomes Project 30x 0.00031.
gnomAD v4.1: 16 of 1,612,336 alleles (0.00099%); highest among the groups gnomAD compares: Admixed American, 0.027%; no homozygotes.

Submission:

Labcorp Genetics (formerly Invitae), Labcorp
Classification: Uncertain significance for Immunodeficiency 35. Last evaluated: 2022-08-23. Review status: criteria provided, single submitter. Criteria: Invitae Variant Classification Sherloc (09022015). Collection method: clinical testing. Allele origin: germline.
Comment: This sequence change replaces glutamine, which is neutral and polar, with histidine, which is basic and polar, at codon 816 of the TYK2 protein (p.Gln816His). This variant is present in population databases (rs200110018, gnomAD 0.03%). This variant has not been reported in the literature in individuals affected with TYK2-related conditions. Algorithms developed to predict the effect of missense changes on protein structure and function are either unavailable or do not agree on the potential impact of this missense change (SIFT: "Not Available"; PolyPhen-2: "Benign"; Align-GVGD: "Not Available"). In summary, the available evidence is currently insufficient to determine the role of this variant in disease. Therefore, it has been classified as a Variant of Uncertain Significance.

NM_003331.5(TYK2):c.2448G>C (p.Gln816His)

Gene: TYK2 (tyrosine kinase 2; minus strand). Cytogenetic location: 19p13.2.
Variant type: single nucleotide variant.
Coding change: c.2448G>C on transcript NM_003331.5 (MANE Select); coding-DNA position 2448, G replaced by C.
Protein change: p.Gln816His; replaces glutamine 816 with histidine.
Molecular consequence: missense variant.
Genome position (GRCh38, 1-based): chr19:10,357,782, C>G on the plus strand (G>C on the coding strand, the complement: TYK2 is on the minus strand). VCF-style: chr19-10357782-C-G. GRCh37 (hg19) VCF-style: chr19-10468458-C-G.
Other names: c.2448G>C, p.Gln816His (NM_001385197.1, NM_001385198.1, NM_001385200.1 and 3 more transcripts); c.2262G>C, p.Gln754His (NM_001385199.1); c.2250G>C, p.Gln750His (NM_001385201.1); c.2364G>C, p.Gln788His (NM_001385202.1); c.2358G>C, p.Gln786His (NM_001385205.1); c.2322G>C, p.Gln774His (NM_001385206.1); c.2430G>C, p.Gln810His (NM_001385207.1); short protein forms Q750H, Q816H, Q788H, Q810H, Q754H, Q774H, Q786H.
Identifiers: ClinVar variation 2195196 (VCV002195196.1), dbSNP rs200110018, ClinGen allele CA9193077.